The following is an entry in ClinVar:

NM_000388.4(CASR):c.2804C>T (p.Pro935Leu)

Gene: CASR (calcium sensing receptor; plus strand). Cytogenetic location: 3q21.1.
Variant type: single nucleotide variant.
Coding change: c.2804C>T on transcript NM_000388.4 (MANE Select); coding-DNA position 2804, C replaced by T.
Protein change: p.Pro935Leu; replaces proline 935 with leucine.
Molecular consequence: missense variant.
Genome position (GRCh38, 1-based): chr3:122,284,758, C>T. VCF-style: chr3-122284758-C-T. GRCh37 (hg19) VCF-style: chr3-122003605-C-T.
Other names: c.2834C>T, p.Pro945Leu (NM_001178065.2); short protein forms P935L, P945L.
Identifiers: ClinVar variation 1013976 (VCV001013976.7), dbSNP rs201950717, ClinGen allele CA82749263.

ClinVar aggregate classification (germline): Uncertain significance (1 of 4 stars; one submission).

Conditions:
Autosomal dominant hypocalcemia 1 (HYPOC1). Also called: HYPOCALCEMIA, FAMILIAL. Identifiers: MedGen C3715128, MONDO:0011013, OMIM 601198.
Familial hypocalciuric hypercalcemia (FHH). Also called: Familial benign hypercalcemia. Identifiers: Orphanet 405, MedGen C1809471, MONDO:0018458.

Allele frequency attached by ClinVar (database versions not stated): gnomAD exomes 0.00001.
gnomAD v4.1: 3 of 1,614,148 alleles (0.00019%); highest among the groups gnomAD compares: Non-Finnish European, 0.00025%; no homozygotes.

Submission:

Labcorp Genetics (formerly Invitae), Labcorp
Classification: Uncertain significance for Familial hypocalciuric hypercalcemia; Autosomal dominant hypocalcemia 1. Last evaluated: 2023-03-03. Review status: criteria provided, single submitter. Criteria: Invitae Variant Classification Sherloc (09022015). Collection method: clinical testing. Allele origin: germline.
Comment: In summary, the available evidence is currently insufficient to determine the role of this variant in disease. Therefore, it has been classified as a Variant of Uncertain Significance. An algorithm developed to predict the effect of missense changes on protein structure and function (PolyPhen-2) suggests that this variant is likely to be tolerated. ClinVar contains an entry for this variant (Variation ID: 1013976). This variant has not been reported in the literature in individuals affected with CASR-related conditions. This variant is not present in population databases (gnomAD no frequency). This sequence change replaces proline, which is neutral and non-polar, with leucine, which is neutral and non-polar, at codon 935 of the CASR protein (p.Pro935Leu).